The following is an entry in ClinVar:

ClinVar aggregate classification (germline): Uncertain significance (1 of 4 stars; one submission).

Conditions:
Developmental and epileptic encephalopathy, 39 (DEE39). Also called: DEVELOPMENTAL AND EPILEPTIC ENCEPHALOPATHY 39 WITH LEUKODYSTROPHY. Identifiers: Orphanet 353217, MedGen C2751855, MONDO:0013056, OMIM 612949.

Allele frequency attached by ClinVar (database versions not stated): TOPMed below 0.00001; gnomAD 0.00001.
gnomAD v4.1: 1 of 1,613,202 alleles (0.000062%); highest among the groups gnomAD compares: Non-Finnish European, 0.000085%; no homozygotes.

Submission:

Neuberg Centre For Genomic Medicine, NCGM
Classification: Uncertain significance for Developmental and epileptic encephalopathy, 39. Review status: criteria provided, single submitter. Criteria: ACMG Guidelines, 2015. Collection method: clinical testing. Allele origin: germline. Inheritance: Autosomal recessive inheritance. Affected: yes.
Comment: The missense variant c.101T>A (p.Met34Lys) in SLC25A12 gene has not been reported previously as a pathogenic variant nor as a benign variant, to our knowledge. This variant is novel (not in any individuals) in gnomAD Exomes and 1000 Genomes. The amino acid Methionine at position 34 is changed to a Lysine changing protein sequence and it might alter its composition and physico-chemical properties. The variant is predicted to be damaging by both SIFT and PolyPhen2. The residue is conserved across species. For these reasons, this variant has been classified as Uncertain Significance.

NM_003705.5(SLC25A12):c.101T>A (p.Met34Lys)

Gene: SLC25A12 (solute carrier family 25 member 12; minus strand). Cytogenetic location: 2q31.1.
Variant type: single nucleotide variant.
Coding change: c.101T>A on transcript NM_003705.5 (MANE Select); coding-DNA position 101, T replaced by A.
Protein change: p.Met34Lys; replaces methionine 34 with lysine.
Molecular consequence: missense variant. On other transcripts: non-coding transcript variant (1).
Genome position (GRCh38, 1-based): chr2:171,868,789, A>T on the plus strand (T>A on the coding strand, the complement: SLC25A12 is on the minus strand). VCF-style: chr2-171868789-A-T. GRCh37 (hg19) VCF-style: chr2-172725299-A-T.
Other names: short protein forms M34K.
Identifiers: ClinVar variation 2585292 (VCV002585292.1), dbSNP rs758457969, ClinGen allele CA349636992.